The following is an entry in ClinVar:

ClinVar aggregate classification (germline): Uncertain significance (1 of 4 stars; one submission).

Conditions:
Pyridoxine-dependent epilepsy (EPEO4). Also called: Pyridoxine-Dependent Epilepsy - ALDH7A1; PYRIDOXINE DEPENDENCY WITH SEIZURES; EPILEPSY, EARLY-ONSET, 4, VITAMIN B6-DEPENDENT; Pyridoxine-Dependent Seizures. Identifiers: Orphanet 3006, MedGen C1849508, MONDO:0009945, OMIM 266100. Disease mechanism: loss of function.

Submission:

Labcorp Genetics (formerly Invitae), Labcorp
Classification: Uncertain significance for Pyridoxine-dependent epilepsy. Last evaluated: 2022-06-20. Review status: criteria provided, single submitter. Criteria: Invitae Variant Classification Sherloc (09022015). Collection method: clinical testing. Allele origin: germline.
Comment: This sequence change affects the initiator methionine of the ALDH7A1 mRNA. The next in-frame methionine is located at codon 29. This variant is not present in population databases (gnomAD no frequency). This variant has not been reported in the literature in individuals affected with ALDH7A1-related conditions. Algorithms developed to predict the effect of sequence changes on RNA splicing suggest that this variant may create or strengthen a splice site. In summary, the available evidence is currently insufficient to determine the role of this variant in disease. Therefore, it has been classified as a Variant of Uncertain Significance.

NM_001182.5(ALDH7A1):c.2T>A (p.Met1Lys)

Gene: ALDH7A1 (aldehyde dehydrogenase 7 family member A1; minus strand). Cytogenetic location: 5q23.2.
Variant type: single nucleotide variant.
Coding change: c.2T>A on transcript NM_001182.5 (MANE Select); coding-DNA position 2, T replaced by A.
Protein change: p.Met1Lys; changes the start codon (methionine 1).
Molecular consequence: missense variant, initiator codon variant. On other transcripts: 5 prime UTR variant (1).
Genome position (GRCh38, 1-based): chr5:126,595,197, A>T on the plus strand (T>A on the coding strand, the complement: ALDH7A1 is on the minus strand). VCF-style: chr5-126595197-A-T. GRCh37 (hg19) VCF-style: chr5-125930889-A-T.
Other names: c.-83T>A (NM_001201377.2); c.2T>A, p.Met1Lys (NM_001202404.2); short protein forms M1K.
Identifiers: ClinVar variation 1352781 (VCV001352781.8), dbSNP rs1168011770, ClinGen allele CA360734042.